The following is an entry in ClinVar:

ClinVar aggregate classification (germline): Pathogenic (1 of 4 stars; one submission).

Conditions:
Xeroderma pigmentosum variant type. Also called: POLH-Related Xeroderma Pigmentosum; PHOTOSENSITIVITY WITH DEFECTIVE DNA SYNTHESIS; XERODERMA PIGMENTOSUM WITH NORMAL DNA REPAIR RATES. Identifiers: Orphanet 90342, MedGen C1848410, MONDO:0010214, OMIM 278750.

gnomAD v4.1: 2 of 1,590,034 alleles (0.00013%); highest among the groups gnomAD compares: Non-Finnish European, 0.00017%; no homozygotes.

Submission:

3billion
Classification: Pathogenic for Xeroderma pigmentosum variant type. Last evaluated: 2025-06-12. Review status: criteria provided, single submitter. Criteria: ACMG Guidelines, 2015. Collection method: clinical testing. Allele origin: germline. Affected: yes.
Comment: The variant is observed at an extremely low frequency in the gnomAD v4.1.0 dataset (total allele frequency: <0.001%). Predicted Consequence/Location: Stop-gained (nonsense): predicted to result in a loss or disruption of normal protein function through nonsense-mediated decay (NMD) or protein truncation. Multiple pathogenic variants are reported downstream of the variant. Therefore, this variant is classified as Pathogenic according to the recommendation of ACMG/AMP guideline.

NM_006502.3(POLH):c.1027C>T (p.Gln343Ter)

Gene: POLH (DNA polymerase eta; plus strand). Cytogenetic location: 6p21.1.
Variant type: single nucleotide variant.
Coding change: c.1027C>T on transcript NM_006502.3 (MANE Select); coding-DNA position 1027, C replaced by T.
Protein change: p.Gln343Ter; replaces glutamine 343 with a stop codon.
Molecular consequence: nonsense.
Genome position (GRCh38, 1-based): chr6:43,605,272, C>T. VCF-style: chr6-43605272-C-T. GRCh37 (hg19) VCF-style: chr6-43573009-C-T.
Other names: c.655C>T, p.Gln219Ter (NM_001291969.2); c.1027C>T, p.Gln343Ter (NM_001291970.2); short protein forms Q219*, Q343*.
Identifiers: ClinVar variation 4854401 (VCV004854401.1).